The following is an entry in ClinVar:

ClinVar aggregate classification (germline): Conflicting classifications of pathogenicity. Review status: criteria provided, conflicting classifications (1 of 4 stars). 7 submissions from 7 submitters: Uncertain significance (6); Likely benign (1). Last evaluated 2025-10-28.

Allele frequency attached by ClinVar (database versions not stated): ESP Exome Variant Server 0.00008; TOPMed 0.00018; gnomAD 0.00026 and 0.00028; gnomAD exomes 0.00033; ExAC 0.00038.
gnomAD v4.1: 522 of 1,613,974 alleles (0.032%); highest among the groups gnomAD compares: Non-Finnish European, 0.038%; 3 homozygotes.

Submissions (7):

Women's Health and Genetics/Laboratory Corporation of America, LabCorp
Classification: Uncertain significance. Last evaluated: 2025-10-28. Review status: criteria provided, single submitter. Criteria: LabCorp Variant Classification Summary - May 2015. Collection method: clinical testing. Allele origin: germline.
Comment: Variant summary: ARHGEF10 c.3589C>T (p.His1197Tyr) results in a conservative amino acid change in the encoded protein sequence. Algorithms developed to predict the effect of missense changes on protein structure and function all suggest that this variant is likely to be tolerated. The variant allele was found at a frequency of 0.00033 in 251392 control chromosomes in the gnomAD database, including 1 homozygote. This frequency is not significantly higher than estimated for disease-causing variants in ARHGEF10, allowing no conclusion about variant significance. To our knowledge, no occurrence of c.3589C>T in individuals affected with ARHGEF10-related conditions and no experimental evidence demonstrating its impact on protein function have been reported. ClinVar contains an entry for this variant (Variation ID: 377194). Based on the evidence outlined above, the variant was classified as uncertain significance.

Labcorp Genetics (formerly Invitae), Labcorp
Classification: Uncertain significance. Last evaluated: 2025-03-17. Review status: criteria provided, single submitter. Criteria: Invitae Variant Classification Sherloc (09022015). Collection method: clinical testing. Allele origin: germline.
Comment: This sequence change replaces histidine, which is basic and polar, with tyrosine, which is neutral and polar, at codon 1197 of the ARHGEF10 protein (p.His1197Tyr). This variant is present in population databases (rs200779877, gnomAD 0.06%), and has an allele count higher than expected for a pathogenic variant. This variant has not been reported in the literature in individuals affected with ARHGEF10-related conditions. ClinVar contains an entry for this variant (Variation ID: 377194). Invitae Evidence Modeling of protein sequence and biophysical properties (such as structural, functional, and spatial information, amino acid conservation, physicochemical variation, residue mobility, and thermodynamic stability) indicates that this missense variant is not expected to disrupt ARHGEF10 protein function with a negative predictive value of 80%. In summary, the available evidence is currently insufficient to determine the role of this variant in disease. Therefore, it has been classified as a Variant of Uncertain Significance.

Blueprint Genetics
Classification: Likely benign. Last evaluated: 2024-08-26. Review status: criteria provided, single submitter. Criteria: ACMG Guidelines, 2015. Collection method: clinical testing. Allele origin: germline.

Ambry Genetics
Classification: Uncertain significance. Last evaluated: 2024-04-12. Review status: criteria provided, single submitter. Criteria: Ambry Variant Classification Scheme 2023. Collection method: clinical testing. Allele origin: germline.

Mayo Clinic Laboratories, Mayo Clinic
Classification: Uncertain significance. Last evaluated: 2022-12-06. Review status: criteria provided, single submitter. Criteria: ACMG Guidelines, 2015. Collection method: clinical testing. Allele origin: germline. Observed: 2 variant alleles.
Comment: BP4

Center for Pediatric Genomic Medicine, Children's Mercy Hospital and Clinics
Classification: Uncertain significance. Last evaluated: 2017-02-06. Review status: criteria provided, single submitter. Criteria: ACMG Guidelines, 2015. Collection method: clinical testing. Allele origin: germline.
ClinVar note: Converted during submission from Uncertain Significance to Uncertain significance.

CeGaT Center for Human Genetics Tuebingen
Classification: Uncertain significance. Last evaluated: 2016-06-01. Review status: criteria provided, single submitter. Criteria: CeGaT Center For Human Genetics Tuebingen Variant Classification Criteria Version 2. Collection method: clinical testing. Allele origin: germline. Affected: yes. Observed: 1 variant allele.

NM_014629.4(ARHGEF10):c.3589C>T (p.His1197Tyr)

Gene: ARHGEF10 (Rho guanine nucleotide exchange factor 10; plus strand). Cytogenetic location: 8p23.3.
Variant type: single nucleotide variant.
Coding change: c.3589C>T on transcript NM_014629.4 (MANE Select); coding-DNA position 3589, C replaced by T.
Protein change: p.His1197Tyr; replaces histidine 1197 with tyrosine.
Molecular consequence: missense variant.
Genome position (GRCh38, 1-based): chr8:1,956,817, C>T. VCF-style: chr8-1956817-C-T. GRCh37 (hg19) VCF-style: chr8-1904983-C-T.
Other names: p.His1197Tyr; c.3475C>T, p.His1159Tyr (NM_001308152.2); c.3589C>T, p.His1197Tyr (NM_001308153.3); c.3589C>T (NM_014629.3); short protein forms H1197Y, H1159Y, H1221Y.
Identifiers: ClinVar variation 377194 (VCV000377194.56), dbSNP rs200779877, ClinGen allele CA4601434.
Genomic context (GRCh38, chr8:1,956,817, plus strand): 5'-ATGGTCTCCTACCATGCACACAACAGTCCTGTCAAATTCATCGTCCTGGCCACGGCTCTG[C>T]ACGAGAAAGACAAGGACAAATCCAGGGACAGCCTGGCTCCTGGCCCCGAGCCTCAGGACG-3'
Protein context (NP_055444.2, residues 1187-1207): VKFIVLATAL[His1197Tyr]EKDKDKSRDS